The following is an entry in ClinVar:

NM_007194.4(CHEK2):c.65A>T (p.His22Leu)

Gene: CHEK2 (checkpoint kinase 2; minus strand). Cytogenetic location: 22q12.1.
Variant type: single nucleotide variant.
Coding change: c.65A>T on transcript NM_007194.4 (MANE Select); coding-DNA position 65, A replaced by T.
Protein change: p.His22Leu; replaces histidine 22 with leucine.
Molecular consequence: missense variant. On other transcripts: 5 prime UTR variant (1), intron variant (1).
Genome position (GRCh38, 1-based): chr22:28,734,657, T>A on the plus strand (A>T on the coding strand, the complement: CHEK2 is on the minus strand). VCF-style: chr22-28734657-T-A. GRCh37 (hg19) VCF-style: chr22-29130645-T-A.
Other names: c.65A>T, p.His22Leu (NM_001005735.3, NM_001349956.3, NM_001438293.1 and 3 more transcripts); c.-713A>T (NM_001257387.3); c.-345+7112A>T (NM_001437942.1); short protein forms H22L.
Identifiers: ClinVar variation 4722902 (VCV004722902.1).

ClinVar aggregate classification (germline): Uncertain significance (1 of 4 stars; one submission).

Conditions:
Familial cancer of breast. Also called: hereditary breast carcinoma; BREAST CANCER, FAMILIAL; Hereditary breast cancer. Identifiers: Orphanet 227535, MedGen C0346153, MONDO:0016419, OMIM 114480. Disease mechanism: loss of function.

Submission:

Labcorp Genetics (formerly Invitae), Labcorp
Classification: Uncertain significance for Familial cancer of breast. Last evaluated: 2025-07-09. Review status: criteria provided, single submitter. Criteria: Invitae Variant Classification Sherloc (09022015). Collection method: clinical testing. Allele origin: germline.
Comment: This sequence change replaces histidine, which is basic and polar, with leucine, which is neutral and non-polar, at codon 22 of the CHEK2 protein (p.His22Leu). This variant is not present in population databases (gnomAD no frequency). This variant has not been reported in the literature in individuals affected with CHEK2-related conditions. An algorithm developed to predict the effect of missense changes on protein structure and function (PolyPhen-2) suggests that this variant is likely to be tolerated. In summary, the available evidence is currently insufficient to determine the role of this variant in disease. Therefore, it has been classified as a Variant of Uncertain Significance.